The following is an entry in ClinVar:

ClinVar aggregate classification (germline): Likely benign. Review status: criteria provided, multiple submitters, no conflicts (2 of 4 stars). 3 submissions from 3 submitters: Likely benign (3). Last evaluated 2025-11-03.

Conditions:
Arrhythmogenic right ventricular dysplasia 11. Also called: Arrhythmogenic Right Ventricular Dysplasia/Cardiomyopathy11; ARRHYTHMOGENIC RIGHT VENTRICULAR DYSPLASIA, FAMILIAL, 11; Arrhythmogenic right ventricular dysplasia 11 with mild palmoplantar keratoderma and woolly hair. Identifiers: MedGen C1864850, MONDO:0012506, OMIM 610476.
Cardiovascular phenotype. Identifiers: MedGen CN230736.

Allele frequency attached by ClinVar (database versions not stated): gnomAD 0.00001; gnomAD exomes below 0.00001; TOPMed below 0.00001; ExAC 0.00001.
gnomAD v4.1: 5 of 1,605,596 alleles (0.00031%); highest among the groups gnomAD compares: African/African-American, 0.0054%; no homozygotes.

Submissions (3):

Labcorp Genetics (formerly Invitae), Labcorp
Classification: Likely benign for Arrhythmogenic right ventricular dysplasia 11. Last evaluated: 2025-11-03. Review status: criteria provided, single submitter. Criteria: Invitae Variant Classification Sherloc (09022015). Collection method: clinical testing. Allele origin: germline.

Ambry Genetics
Classification: Likely benign for Cardiovascular phenotype. Last evaluated: 2021-06-28. Review status: criteria provided, single submitter. Criteria: Ambry Variant Classification Scheme 2023. Collection method: clinical testing. Allele origin: germline.

GeneDx
Classification: Likely benign. Last evaluated: 2017-11-02. Review status: criteria provided, single submitter. Criteria: GeneDx Variant Classification (06012015). Collection method: clinical testing. Allele origin: germline. Affected: yes.
Comment: This variant is considered likely benign or benign based on one or more of the following criteria: it is a conservative change, it occurs at a poorly conserved position in the protein, it is predicted to be benign by multiple in silico algorithms, and/or has population frequency not consistent with disease.

NM_024422.6(DSC2):c.120C>A (p.Pro40=)

Gene: DSC2 (desmocollin 2; minus strand). Cytogenetic location: 18q12.1.
Variant type: single nucleotide variant.
Coding change: c.120C>A on transcript NM_024422.6 (MANE Select); coding-DNA position 120, C replaced by A.
Protein change: p.Pro40=; no amino-acid change (proline 40 retained).
Molecular consequence: synonymous variant.
Genome position (GRCh38, 1-based): chr18:31,093,593, G>T on the plus strand (C>A on the coding strand, the complement: DSC2 is on the minus strand). VCF-style: chr18-31093593-G-T. GRCh37 (hg19) VCF-style: chr18-28673556-G-T.
Other names: c.120C>A, p.Pro40= (NM_004949.5).
Identifiers: ClinVar variation 513059 (VCV000513059.11), dbSNP rs773259822, ClinGen allele CA030274.